The following is an entry in ClinVar:

NM_145064.3(STAC3):c.770G>T (p.Arg257Leu)

Gene: STAC3 (SH3 and cysteine rich domain 3; minus strand). Cytogenetic location: 12q13.3.
Variant type: single nucleotide variant.
Coding change: c.770G>T on transcript NM_145064.3 (MANE Select); coding-DNA position 770, G replaced by T.
Protein change: p.Arg257Leu; replaces arginine 257 with leucine.
Molecular consequence: missense variant. On other transcripts: non-coding transcript variant (1).
Genome position (GRCh38, 1-based): chr12:57,244,573, C>A on the plus strand (G>T on the coding strand, the complement: STAC3 is on the minus strand). VCF-style: chr12-57244573-C-A. GRCh37 (hg19) VCF-style: chr12-57638356-C-A.
Other names: c.653G>T, p.Arg218Leu (NM_001286256.2); c.212G>T, p.Arg71Leu (NM_001286257.2); short protein forms R218L, R257L, R71L.
Identifiers: ClinVar variation 1463265 (VCV001463265.8), dbSNP rs2037686346, ClinGen allele CA385411707.

ClinVar aggregate classification (germline): Uncertain significance (1 of 4 stars; one submission).

Conditions:
Bailey-Bloch congenital myopathy (CMYO13). Also called: Native American myopathy; Congenital myopathy 13; STAC3 disorder. Identifiers: Orphanet 168572, MedGen C1850625, MONDO:0009722, OMIM 255995.

Submission:

Labcorp Genetics (formerly Invitae), Labcorp
Classification: Uncertain significance for Bailey-Bloch congenital myopathy. Last evaluated: 2021-07-07. Review status: criteria provided, single submitter. Criteria: Invitae Variant Classification Sherloc (09022015). Collection method: clinical testing. Allele origin: germline.
Comment: Algorithms developed to predict the effect of missense changes on protein structure and function are either unavailable or do not agree on the potential impact of this missense change (SIFT: "Deleterious"; PolyPhen-2: "Benign"; Align-GVGD: "Class C0"). This sequence change replaces arginine with leucine at codon 257 of the STAC3 protein (p.Arg257Leu). The arginine residue is highly conserved and there is a moderate physicochemical difference between arginine and leucine. This variant is not present in population databases (ExAC no frequency). This variant has not been reported in the literature in individuals affected with STAC3-related conditions. In summary, the available evidence is currently insufficient to determine the role of this variant in disease. Therefore, it has been classified as a Variant of Uncertain Significance.